The following is an entry in ClinVar:

ClinVar aggregate classification (germline): Uncertain significance (1 of 4 stars; one submission).

Conditions:
SIN3A-related intellectual disability syndrome due to a point mutation. Also called: 15q24 Microdeletion Syndrome; WITTEVEEN-KOLK SYNDROME. Identifiers: Orphanet 500166, Orphanet 94065, MedGen C4310804, MONDO:0044700, OMIM 613406.

gnomAD v4.1: 1 of 1,613,824 alleles (0.000062%); no homozygotes.

Submission:

MVZ Medizinische Genetik Mainz
Classification: Uncertain significance for SIN3A-related intellectual disability syndrome due to a point mutation. Last evaluated: 2024-12-30. Review status: criteria provided, single submitter. Criteria: UK Practice Guidelines For Variant Classification V4 01 2020. Collection method: clinical testing. Allele origin: germline. Inheritance: Autosomal dominant inheritance. Affected: yes. Observed: 1 variant allele.
Comment: ACMG Criteria: PM2_SUP,PP3

NM_001145358.2(SIN3A):c.3384-4A>G

Gene: SIN3A (SIN3 transcription regulator family member A; minus strand). Cytogenetic location: 15q24.2.
Variant type: single nucleotide variant.
Coding change: c.3384-4A>G on transcript NM_001145358.2 (MANE Select); 4 bases into the intron before coding-DNA position 3384, A replaced by G.
Molecular consequence: intron variant.
Genome position (GRCh38, 1-based): chr15:75,375,876, T>C on the plus strand (A>G on the coding strand, the complement: SIN3A is on the minus strand). VCF-style: chr15-75375876-T-C. GRCh37 (hg19) VCF-style: chr15-75668217-T-C.
Other names: c.3384-4A>G (NM_001145357.2, NM_015477.3).
Identifiers: ClinVar variation 3601965 (VCV003601965.1).